The following is an entry in ClinVar:

ClinVar aggregate classification (germline): Likely benign (0 of 4 stars; one submission).

Conditions:
AFF4-related disorder. Also called: AFF4-related condition.

Submission:

PreventionGenetics, part of Exact Sciences
Classification: Likely benign for AFF4-related condition. Last evaluated: 2024-06-21. Review status: no assertion criteria provided. Collection method: clinical testing. Allele origin: germline.
Comment: This variant is classified as likely benign based on ACMG/AMP sequence variant interpretation guidelines (Richards et al. 2015 PMID: 25741868, with internal and published modifications).

NM_014423.4(AFF4):c.3300A>T (p.Thr1100=)

Gene: AFF4 (ALF transcription elongation factor 4; minus strand). Cytogenetic location: 5q31.1.
Variant type: single nucleotide variant.
Coding change: c.3300A>T on transcript NM_014423.4 (MANE Select); coding-DNA position 3300, A replaced by T.
Protein change: p.Thr1100=; no amino-acid change (threonine 1100 retained).
Molecular consequence: synonymous variant.
Genome position (GRCh38, 1-based): chr5:132,883,404, T>A on the plus strand (A>T on the coding strand, the complement: AFF4 is on the minus strand). VCF-style: chr5-132883404-T-A. GRCh37 (hg19) VCF-style: chr5-132219096-T-A.
Identifiers: ClinVar variation 3353712 (VCV003353712.1).